The following is an entry in ClinVar:

NM_012203.2(GRHPR):c.593_594del (p.Glu198fs)

Gene: GRHPR (glyoxylate and hydroxypyruvate reductase; plus strand). Cytogenetic location: 9p13.2.
Variant type: Microsatellite.
Coding change: c.593_594del on transcript NM_012203.2 (MANE Select); coding-DNA positions 593 to 594, 2 bases deleted (AG; older notation c.593_594delAG).
Protein change: p.Glu198fs; shifts the reading frame from glutamic acid 198.
Molecular consequence: frameshift variant.
Genome position (GRCh38, 1-based): chr9:37,429,831-37,429,832, AG deleted; deleting any 2 consecutive bases within chr9:37,429,829-37,429,832 gives the same sequence; the c. name uses the placement nearest the transcript's 3' end. VCF-style (leftmost placement, unchanged base first): chr9-37429828-CAG-C. GRCh37 (hg19) VCF-style: chr9-37429825-CAG-C.
Other names: short protein forms E198fs.
Identifiers: ClinVar variation 645622 (VCV000645622.10), dbSNP rs1588757756, ClinGen allele CA915947009.

ClinVar aggregate classification (germline): Pathogenic/Likely pathogenic. Review status: criteria provided, multiple submitters, no conflicts (2 of 4 stars). 4 submissions from 4 submitters: Pathogenic (3); Likely pathogenic (1). Last evaluated 2025-05-11.

Conditions:
GRHPR-related disorder. Also called: GRHPR-related condition.
Primary hyperoxaluria, type II (HP2). Also called: D-GLYCERATE DEHYDROGENASE DEFICIENCY; GLYCERIC ACIDURIA; GLYOXYLATE REDUCTASE/HYDROXYPYRUVATE REDUCTASE DEFICIENCY; OXALOSIS II; Primary hyperoxaluria type 2. Identifiers: Orphanet 416, Orphanet 93599, MedGen C0268165, MONDO:0009824, OMIM 260000. Disease mechanism: loss of function.

Submissions (4):

Natera, Inc.
Classification: Likely pathogenic for Primary hyperoxaluria type II. Last evaluated: 2025-05-11. Review status: criteria provided, single submitter. Criteria: Natera Variant Classification Schema (03/2026). Collection method: clinical testing. Allele origin: germline.
Comment: The c.593_594delAG variant in GRHPR is a frameshift variant predicted to shift the reading frame beginning at codon 198 and leads to a stop codon 6 codons downstream. This variant is expected to result in nonsense mediated decay, truncation, or a dysfunctional protein product. This variant is rare in the general population with a frequency below the threshold expected for the associated phenotype(s). Given the available evidence, this variant is classified as Likely Pathogenic.

PreventionGenetics, part of Exact Sciences
Classification: Pathogenic for GRHPR-related condition. Last evaluated: 2025-01-17. Review status: criteria provided, single submitter. Criteria: ACMG Guidelines, 2015. Collection method: clinical testing. Allele origin: germline.
Comment: The GRHPR c.593_594delAG variant is predicted to result in a frameshift and premature protein termination (p.Glu198Valfs*6). This variant has been reported in a large cohort study as a medically significant finding in patients with presumed hyperoxaluria (Dataset 1, tab 3; Hou et al. 2020. PubMed ID: 31980526). This variant has not been reported in a large population database (gnomAD), indicating this variant is rare. Frameshift variants in GRHPR are expected to be pathogenic. This variant is interpreted as pathogenic.

Labcorp Genetics (formerly Invitae), Labcorp
Classification: Pathogenic. Last evaluated: 2023-07-17. Review status: criteria provided, single submitter. Criteria: Invitae Variant Classification Sherloc (09022015). Collection method: clinical testing. Allele origin: germline.
Comment: For these reasons, this variant has been classified as Pathogenic. ClinVar contains an entry for this variant (Variation ID: 645622). This premature translational stop signal has been observed in individual(s) with hyperoxaluria (PMID: 31980526). This variant is not present in population databases (gnomAD no frequency). This sequence change creates a premature translational stop signal (p.Glu198Valfs*6) in the GRHPR gene. It is expected to result in an absent or disrupted protein product. Loss-of-function variants in GRHPR are known to be pathogenic (PMID: 25644115).

Fulgent Genetics
Classification: Pathogenic for Primary hyperoxaluria, type II. Last evaluated: 2021-08-02. Review status: criteria provided, single submitter. Criteria: ACMG Guidelines, 2015. Collection method: clinical testing. Allele origin: unknown.

Literature cited by the submitters: PubMed 31980526 (cited by Labcorp Genetics (formerly Invitae), Labcorp); PubMed 25644115 (cited by Labcorp Genetics (formerly Invitae), Labcorp).